The following is an entry in ClinVar:

NM_000138.5(FBN1):c.8416dup (p.Ile2806fs)

Gene: FBN1 (fibrillin 1; minus strand). Cytogenetic location: 15q21.1.
Variant type: Duplication.
Coding change: c.8416dup on transcript NM_000138.5 (MANE Select); coding-DNA position 8416, one base duplicated (A; older notation c.8416dupA).
Protein change: p.Ile2806fs; shifts the reading frame from isoleucine 2806.
Molecular consequence: frameshift variant.
Genome position (GRCh38, 1-based): chr15:48,411,190, T duplicated on the plus strand (A on the coding strand, the reverse complement: FBN1 is on the minus strand); the first of 4 consecutive T bases (chr15:48,411,190-48,411,193); duplicating any one gives the same sequence. VCF-style (leftmost placement, unchanged base first): chr15-48411189-A-AT. GRCh37 (hg19) VCF-style: chr15-48703386-A-AT.
Other names: NM_000138.5(FBN1):c.8416dup; p.Ile2806fs; c.8416dupA (NM_000138.4); short protein forms I2806fs.
Identifiers: ClinVar variation 547349 (VCV000547349.2), dbSNP rs1555393538, ClinGen allele CA658824375.

ClinVar aggregate classification (germline): Likely pathogenic. Review status: reviewed by expert panel (3 of 4 stars). 3 submissions from 3 submitters: Likely pathogenic (1). 2 of the submissions do not count toward it. Last evaluated 2024-08-22.

Conditions:
Marfan syndrome (MFS). Also called: Marfan syndrome type 1; Marfan syndrome, classic; Marfan's syndrome; FBN1-Related Marfan Syndrome; MARFAN SYNDROME, TYPE I. Identifiers: Orphanet 284963, Orphanet 558, MedGen C0024796, MONDO:0007947, OMIM 154700.

Submissions (3):

ClinGen FBN1 Variant Curation Expert Panel, ClinGen
Classification: Likely pathogenic for Marfan syndrome. Last evaluated: 2024-08-22. Review status: reviewed by expert panel. Criteria: Assertion Criteria VCEP FBN1 Version 1. Collection method: curation. Allele origin: germline. Inheritance: Autosomal dominant inheritance.
Comment: The NM_00138 c.8416dup, is predicted to cause a frameshift resulting in a premature stop codon at position 2833, leading to a truncated protein. This variant is located in the coding exon 65 of the gene and is not expected to undergo nonsense-mediated decay. Premature terminations in the C-terminus are considered to be deleterious (PVS1_Strong; PMID 24982166, 12161601, 7911051, 21034599). This variant has been reported twice in ClinVar, once as pathogenic and once as uncertain significance (Variation ID: 547349). This variant is not present in gnomAD (PM2_sup; v2.1.1). In summary, this variant meets criteria to be classified as likely pathogenic for Marfan syndrome based on the ACMG/AMP criteria applied, as specified by the ClinGen FBN1 VCEP: PVS1_Strong, PM2_Sup, PP4

Center for Human Genetics, Inc
Classification: Pathogenic for Marfan syndrome. Last evaluated: 2016-11-01. Review status: criteria provided, single submitter. Criteria: ACMG Guidelines, 2015. Collection method: clinical testing. Allele origin: germline. Affected: yes. Not counted in ClinVar's aggregate classification.

Center for Medical Genetics Ghent, University of Ghent
Classification: Uncertain significance for Marfan syndrome. Last evaluated: 2017-11-07. Review status: no assertion criteria provided. Collection method: clinical testing. Allele origin: germline. Affected: yes. Not counted in ClinVar's aggregate classification.